The following is an entry in ClinVar:

NC_000022.10:g.(?_19163623)_(19770565_?)del

Genes: SEPTIN5 (septin 5; plus strand), MRPL40 (mitochondrial ribosomal protein L40; plus strand), CDC45 (cell division cycle 45; plus strand), CLDN5 (claudin 5; minus strand), SLC25A1 (solute carrier family 25 member 1; minus strand) and 6 more. Cytogenetic location: 22q11.21.
Variant type: Deletion.
Identifiers: ClinVar variation 831644 (VCV000831644.1).

ClinVar aggregate classification (germline): Pathogenic (1 of 4 stars; one submission).

Conditions:
DiGeorge syndrome. Also called: THIRD AND FOURTH PHARYNGEAL POUCH SYNDROME; Catch22. Identifiers: Orphanet 567, MedGen C0012236, MONDO:0008564, OMIM 188400.

Submission:

Labcorp Genetics (formerly Invitae), Labcorp
Classification: Pathogenic for DiGeorge sequence. Last evaluated: 2019-01-23. Review status: criteria provided, single submitter. Criteria: Invitae Variant Classification Sherloc (09022015). Collection method: clinical testing. Allele origin: germline.
Comment: A gross deletion of the genomic region encompassing the full coding sequence of the TBX1 gene has been identified. The boundaries of this event are unknown as the deletion extends beyond the assayed region for this gene and therefore may encompass additional genes. Contiguous gene deletions that include TBX1 have been observed in multiple individuals with congenital heart disease, DiGeorge syndrome, and pulmonary atresia (PMID: 25205790, 25516202, 24826987). Loss-of-function variants in TBX1 are known to be pathogenic (PMID: 11239417, 11242049). For these reasons, this variant has been classified as Pathogenic.

Literature cited by the submitters: PubMed 25516202; PubMed 24826987; PubMed 25205790.